The following is an entry in ClinVar:

ClinVar aggregate classification (germline): Likely benign. Review status: criteria provided, single submitter (1 of 4 stars). 2 submissions from 2 submitters: Likely benign (1). 1 of the submissions does not count toward it. Last evaluated 2023-09-17.

Conditions:
Bardet-Biedl syndrome (BBS). Identifiers: Orphanet 110, MedGen C0752166, MONDO:0015229.
BBS10-related disorder. Also called: BBS10-related condition.

Allele frequency attached by ClinVar (database versions not stated): TOPMed below 0.00001; ExAC 0.00001; gnomAD exomes 0.00001.
gnomAD v4.1: 2 of 1,614,044 alleles (0.00012%); highest among the groups gnomAD compares: African/African-American, 0.0013%; no homozygotes.

Submissions (2):

Labcorp Genetics (formerly Invitae), Labcorp
Classification: Likely benign for Bardet-Biedl syndrome. Last evaluated: 2023-09-17. Review status: criteria provided, single submitter. Criteria: Invitae Variant Classification Sherloc (09022015). Collection method: clinical testing. Allele origin: germline.

PreventionGenetics, part of Exact Sciences
Classification: Likely benign for BBS10-related condition. Last evaluated: 2021-03-22. Review status: no assertion criteria provided. Collection method: clinical testing. Allele origin: germline. Not counted in ClinVar's aggregate classification.
Comment: This variant is classified as likely benign based on ACMG/AMP sequence variant interpretation guidelines (Richards et al. 2015 PMID: 25741868, with internal and published modifications).

NM_024685.4(BBS10):c.630A>T (p.Val210=)

Gene: BBS10 (Bardet-Biedl syndrome 10; minus strand). Cytogenetic location: 12q21.2.
Variant type: single nucleotide variant.
Coding change: c.630A>T on transcript NM_024685.4 (MANE Select); coding-DNA position 630, A replaced by T.
Protein change: p.Val210=; no amino-acid change (valine 210 retained).
Molecular consequence: synonymous variant.
Genome position (GRCh38, 1-based): chr12:76,347,355, T>A on the plus strand (A>T on the coding strand, the complement: BBS10 is on the minus strand). VCF-style: chr12-76347355-T-A. GRCh37 (hg19) VCF-style: chr12-76741135-T-A.
Other names: c.630A>T (NM_024685.3).
Identifiers: ClinVar variation 1570213 (VCV001570213.10), dbSNP rs759791957, ClinGen allele CA6694313.